The following is an entry in ClinVar:

NM_000551.4(VHL):c.38_52dup (p.Val13_Glu17dup)

Gene: VHL (von Hippel-Lindau tumor suppressor; plus strand). Cytogenetic location: 3p25.3.
Variant type: Duplication.
Coding change: c.38_52dup on transcript NM_000551.4 (MANE Select); coding-DNA positions 38 to 52, 15 bases duplicated (TAGGCGCGGAGGAGG).
Protein change: p.Val13_Glu17dup.
Molecular consequence: inframe insertion.
Genome position (GRCh38, 1-based): chr3:10,141,885-10,141,899, TAGGCGCGGAGGAGG duplicated; duplicating any 15 consecutive bases within chr3:10,141,881-10,141,899 gives the same sequence; the c. name uses the placement nearest the transcript's 3' end. VCF-style (leftmost placement, unchanged base first): chr3-10141880-C-CGAGGTAGGCGCGGAG. GRCh37 (hg19) VCF-style: chr3-10183564-C-CGAGGTAGGCGCGGAG.
Other names: c.38_52dup, p.Val13_Glu17dup (NM_001354723.2, NM_198156.3).
Identifiers: ClinVar variation 1486268 (VCV001486268.6), dbSNP rs2125124488, ClinGen allele CA2573136079.

ClinVar aggregate classification (germline): Uncertain significance (1 of 4 stars; one submission).

Conditions:
Von Hippel-Lindau syndrome (VHLS). Also called: Von Hippel-Lindau; von Hippel–Lindau syndrome; VHL syndrome. Identifiers: Orphanet 892, MedGen C0019562, MONDO:0008667, OMIM 193300. Disease mechanism: loss of function.
Chuvash polycythemia. Also called: POLYCYTHEMIA, VHL-DEPENDENT. Identifiers: Orphanet 238557, MedGen C1837915, MONDO:0009892, OMIM 263400.

Submission:

Labcorp Genetics (formerly Invitae), Labcorp
Classification: Uncertain significance for Von Hippel-Lindau syndrome; Chuvash polycythemia. Last evaluated: 2021-10-12. Review status: criteria provided, single submitter. Criteria: Invitae Variant Classification Sherloc (09022015). Collection method: clinical testing. Allele origin: germline.
Comment: The frequency data for this variant in the population databases is considered unreliable, as metrics indicate insufficient coverage at this position in the ExAC database. This variant, c.38_52dup, results in the insertion of 5 amino acid(s) to the VHL protein (p.Val13_Glu17dup), but otherwise preserves the integrity of the reading frame. This variant has not been reported in the literature in individuals affected with VHL-related conditions. Experimental studies and prediction algorithms are not available or were not evaluated, and the functional significance of this variant is currently unknown. Algorithms developed to predict the effect of sequence changes on RNA splicing suggest that this variant may create or strengthen a splice site. In summary, the available evidence is currently insufficient to determine the role of this variant in disease. Therefore, it has been classified as a Variant of Uncertain Significance.